The following is an entry in ClinVar:

NM_000222.3(KIT):c.2234-15C>T

Gene: KIT (KIT proto-oncogene, receptor tyrosine kinase; plus strand). Cytogenetic location: 4q12.
Variant type: single nucleotide variant.
Coding change: c.2234-15C>T on transcript NM_000222.3 (MANE Select); 15 bases into the intron before coding-DNA position 2234, C replaced by T.
Molecular consequence: intron variant.
Genome position (GRCh38, 1-based): chr4:54,731,856, C>T. VCF-style: chr4-54731856-C-T. GRCh37 (hg19) VCF-style: chr4-55598022-C-T.
Other names: c.2237-15C>T (NM_001385284.1); c.2234-15C>T (NM_001385290.1); c.2225-15C>T (NM_001385288.1); c.2222-15C>T (NM_001385292.1, NM_001093772.2); c.2231-15C>T (NM_001385285.1); c.2219-15C>T (NM_001385286.1).
Identifiers: ClinVar variation 2196775 (VCV002196775.5), dbSNP rs1437436757, ClinGen allele CA2580071196.

ClinVar aggregate classification (germline): Likely benign. Review status: criteria provided, multiple submitters, no conflicts (2 of 4 stars). 2 submissions from 2 submitters: Likely benign (2). Last evaluated 2026-05-29.

Conditions:
Gastrointestinal stromal tumor. Also called: Gastrointestinal stroma tumor; Gastrointestinal stromal tumor, somatic. Identifiers: Orphanet 44890, MedGen C0238198, MeSH D046152, MONDO:0011719, OMIM 606764, HP:0100723.

gnomAD v4.1: 1 of 1,612,918 alleles (0.000062%); highest among the groups gnomAD compares: Non-Finnish European, 0.000085%; no homozygotes.

Submissions (2):

Myriad Genetics, Inc.
Classification: Likely benign for Gastrointestinal stromal tumor. Last evaluated: 2026-05-29. Review status: criteria provided, single submitter. Criteria: Myriad Autosomal Dominant, Autosomal Recessive and X-Linked Classification Criteria (2023). Collection method: clinical testing. Allele origin: unknown.
Comment: This variant is considered likely benign. This variant is intronic and is not expected to impact mRNA splicing.

Labcorp Genetics (formerly Invitae), Labcorp
Classification: Likely benign for Gastrointestinal stromal tumor. Last evaluated: 2022-04-10. Review status: criteria provided, single submitter. Criteria: Invitae Variant Classification Sherloc (09022015). Collection method: clinical testing. Allele origin: germline.